The following is an entry in ClinVar:

NM_000275.3(OCA2):c.316C>T (p.Gln106Ter)

Gene: OCA2 (OCA2 melanosomal transmembrane protein; minus strand). Cytogenetic location: 15q13.1.
Variant type: single nucleotide variant.
Coding change: c.316C>T on transcript NM_000275.3 (MANE Select); coding-DNA position 316, C replaced by T.
Protein change: p.Gln106Ter; replaces glutamine 106 with a stop codon.
Molecular consequence: nonsense.
Genome position (GRCh38, 1-based): chr15:28,032,075, G>A on the plus strand (C>T on the coding strand, the complement: OCA2 is on the minus strand). VCF-style: chr15-28032075-G-A. GRCh37 (hg19) VCF-style: chr15-28277221-G-A.
Other names: c.316C>T, p.Gln106Ter (NM_001300984.2); short protein forms Q106*.
Identifiers: ClinVar variation 3239997 (VCV003239997.4), dbSNP rs2042921188.
Genomic context (GRCh38, chr15:28,032,075, plus strand): 5'-GTGCAATGCTCAGAAACTCTTACTTTCATATGAGGGGGAAAATATCTCACCCTTTCTCCT[G>A]TAAGGAATTCCTCAGCAAAGGAGTGTTTTCTGTAAAGCAGGAATCTTTAGACCTGGAGCT-3'

ClinVar aggregate classification (germline): Pathogenic/Likely pathogenic. Review status: criteria provided, multiple submitters, no conflicts (2 of 4 stars). 4 submissions from 4 submitters: Pathogenic (1); Likely pathogenic (3). Last evaluated 2025-03-26.

Conditions:
Tyrosinase-positive oculocutaneous albinism (OCA2). Also called: ALBINISM II; Oculocutaneous albinism type 2; Albinism, oculocutaneous, type II. Identifiers: Orphanet 79432, MedGen C0268495, MONDO:0008746, OMIM 203200.
SKIN/HAIR/EYE PIGMENTATION 1, BLUE/NONBLUE EYES (SHEP1). Also called: BROWN EYE COLOR 2; EYE COLOR 3; EYE COLOR, BLUE/NONBLUE; EYE COLOR, BROWN/BLUE; HAIR COLOR 3; SKIN/HAIR/EYE PIGMENTATION 1, BLOND/BROWN HAIR. Identifiers: MedGen C1856895, OMIM 227220.

Allele frequency attached by ClinVar (database versions not stated): TOPMed below 0.00001.

Submissions (4):

Myriad Genetics, Inc.
Classification: Pathogenic for Tyrosinase-positive oculocutaneous albinism. Last evaluated: 2025-03-26. Review status: criteria provided, single submitter. Criteria: Myriad Autosomal Dominant, Autosomal Recessive and X-Linked Classification Criteria (2023). Collection method: clinical testing. Allele origin: unknown.
Comment: NM_000275.2(OCA2):c.316C>T(Q106*) is expected to be pathogenic in the context of oculocutaneous albinism, OCA2-related. This variant is predicted to lead to an abnormal or absent protein product due to the creation of a premature termination codon in OCA2, a gene where loss-of-function variants are known to be pathogenic. Please note: this variant was assessed in the context of healthy population screening.

Fulgent Genetics
Classification: Likely pathogenic for Tyrosinase-positive oculocutaneous albinism; SKIN/HAIR/EYE PIGMENTATION 1, BLUE/NONBLUE EYES. Last evaluated: 2024-02-14. Review status: criteria provided, single submitter. Criteria: ACMG Guidelines, 2015. Collection method: clinical testing. Allele origin: germline.

Baylor Genetics
Classification: Likely pathogenic for SKIN/HAIR/EYE PIGMENTATION 1, BLUE/NONBLUE EYES. Last evaluated: 2023-12-15. Review status: criteria provided, single submitter. Criteria: ACMG Guidelines, 2015. Collection method: clinical testing. Allele origin: unknown.

3billion
Classification: Likely pathogenic for Tyrosinase-positive oculocutaneous albinism. Last evaluated: 2023-12-06. Review status: criteria provided, single submitter. Criteria: ACMG Guidelines, 2015. Collection method: clinical testing. Allele origin: germline. Affected: yes.
Comment: The variant is not observed in the gnomAD v2.1.1 dataset. Predicted Consequence/Location: Stop-gained (nonsense): predicted to result in a loss or disruption of normal protein function through nonsense-mediated decay (NMD) or protein truncation. Multiple pathogenic variants are reported downstream of the variant. Therefore, this variant is classified as Likely pathogenic according to the recommendation of ACMG/AMP guideline.